The following is an entry in ClinVar:

ClinVar aggregate classification (germline): Conflicting classifications of pathogenicity. Review status: criteria provided, conflicting classifications (1 of 4 stars). 9 submissions from 5 submitters: Uncertain significance (8); Likely benign (1). Last evaluated 2024-02-26.

Conditions:
Myopathy, myofibrillar, 9, with early respiratory failure (MFM9). Also called: Myopathy, distal, with early respiratory failure, autosomal dominant; EDSTROM MYOPATHY; Hereditary myopathy with early respiratory failure; MYOPATHY, PROXIMAL, WITH EARLY RESPIRATORY MUSCLE INVOLVEMENT. Identifiers: Orphanet 178464, Orphanet 34521, MedGen C1863599, MONDO:0011362, OMIM 603689.
Tibial muscular dystrophy (TMD). Also called: Udd Distal Myopathy – Tibial Muscular Dystrophy; UDD MYOPATHY; Tibial muscular dystrophy, tardive. Identifiers: Orphanet 609, MedGen C1838244, MONDO:0010870, OMIM 600334.
Early-onset myopathy with fatal cardiomyopathy (CMYO5). Also called: CONGENITAL MYOPATHY 5 WITH CARDIOMYOPATHY; Salih Myopathy. Identifiers: Orphanet 289377, MedGen C2673677, MONDO:0012714, OMIM 611705. Disease mechanism: loss of function.
Dilated cardiomyopathy 1G (CMD1G). Identifiers: Orphanet 154, MedGen C1858763, MONDO:0011400, OMIM 604145.
Hypertrophic cardiomyopathy 9. Also called: Familial hypertrophic cardiomyopathy 9. Identifiers: MedGen C1861065, MONDO:0013412, OMIM 613765.
Autosomal recessive limb-girdle muscular dystrophy type 2J (LGMDR10). Also called: MUSCULAR DYSTROPHY, LIMB-GIRDLE, AUTOSOMAL RECESSIVE 10; Limb-girdle muscular dystrophy, type 2J. Identifiers: Orphanet 140922, MedGen C1837342, MONDO:0012127, OMIM 608807.

Allele frequency attached by ClinVar (database versions not stated): ExAC 0.00001; gnomAD exomes 0.00001 and 0.00002.
gnomAD v4.1: 35 of 1,613,186 alleles (0.0022%); highest among the groups gnomAD compares: Non-Finnish European, 0.0028%; no homozygotes.

Submissions (9):

Blueprint Genetics
Classification: Likely benign. Last evaluated: 2024-02-26. Review status: criteria provided, single submitter. Criteria: ACMG Guidelines, 2015. Collection method: clinical testing. Allele origin: germline.

CeGaT Center for Human Genetics Tuebingen
Classification: Uncertain significance. Last evaluated: 2023-08-01. Review status: criteria provided, single submitter. Criteria: CeGaT Center For Human Genetics Tuebingen Variant Classification Criteria Version 2. Collection method: clinical testing. Allele origin: germline. Affected: yes. Observed: 1 variant allele.
Comment: TTN: PM2:Supporting, PS4:Supporting, BP5

Fulgent Genetics
Classification: Uncertain significance for Tibial muscular dystrophy; Myopathy, myofibrillar, 9, with early respiratory failure; Dilated cardiomyopathy 1G; Autosomal recessive limb-girdle muscular dystrophy type 2J; Early-onset myopathy with fatal cardiomyopathy; Hypertrophic cardiomyopathy 9. Last evaluated: 2022-02-02. Review status: criteria provided, single submitter. Criteria: ACMG Guidelines, 2015. Collection method: clinical testing. Allele origin: unknown.

Revvity Omics, Revvity
Classification: Uncertain significance. Last evaluated: 2019-05-03. Review status: criteria provided, single submitter. Criteria: ACMG Guidelines, 2015. Collection method: clinical testing. Allele origin: germline.

Illumina Laboratory Services, Illumina
Classification: Uncertain significance for Dilated cardiomyopathy 1G. Last evaluated: 2018-01-12. Review status: criteria provided, single submitter. Criteria: ICSL Variant Classification Criteria 13 December 2019. Collection method: clinical testing. Allele origin: germline.

Illumina Laboratory Services, Illumina
Classification: Uncertain significance for Autosomal recessive limb-girdle muscular dystrophy type 2J. Last evaluated: 2018-01-12. Review status: criteria provided, single submitter. Criteria: ICSL Variant Classification Criteria 13 December 2019. Collection method: clinical testing. Allele origin: germline.

Illumina Laboratory Services, Illumina
Classification: Uncertain significance for Tibial muscular dystrophy. Last evaluated: 2018-01-12. Review status: criteria provided, single submitter. Criteria: ICSL Variant Classification Criteria 13 December 2019. Collection method: clinical testing. Allele origin: germline.

Illumina Laboratory Services, Illumina
Classification: Uncertain significance for Early-onset myopathy with fatal cardiomyopathy. Last evaluated: 2018-01-12. Review status: criteria provided, single submitter. Criteria: ICSL Variant Classification Criteria 13 December 2019. Collection method: clinical testing. Allele origin: germline.

Illumina Laboratory Services, Illumina
Classification: Uncertain significance for Myopathy, myofibrillar, 9, with early respiratory failure. Last evaluated: 2018-01-12. Review status: criteria provided, single submitter. Criteria: ICSL Variant Classification Criteria 13 December 2019. Collection method: clinical testing. Allele origin: germline.

NM_001267550.2(TTN):c.42256T>A (p.Ser14086Thr)

Gene: TTN (titin; minus strand). Cytogenetic location: 2q31.2.
Variant type: single nucleotide variant.
Coding change: c.42256T>A on transcript NM_001267550.2 (MANE Select); coding-DNA position 42256, T replaced by A.
Protein change: p.Ser14086Thr; replaces serine 14086 with threonine.
Molecular consequence: missense variant.
Genome position (GRCh38, 1-based): chr2:178,634,525, A>T on the plus strand (T>A on the coding strand, the complement: TTN is on the minus strand). VCF-style: chr2-178634525-A-T. GRCh37 (hg19) VCF-style: chr2-179499252-A-T.
Other names: c.37333T>A, p.Ser12445Thr (NM_001256850.1); c.15061T>A, p.Ser5021Thr (NM_003319.4); c.34552T>A, p.Ser11518Thr (NM_133378.4); c.15436T>A, p.Ser5146Thr (NM_133432.3); c.15637T>A, p.Ser5213Thr (NM_133437.4); short protein forms S11518T, S14086T, S5021T, S5213T, S12445T, S5146T.
Identifiers: ClinVar variation 332872 (VCV000332872.34), dbSNP rs777451130, ClinGen allele CA1996115.